The following is an entry in ClinVar:

ClinVar aggregate classification (germline): Uncertain significance (1 of 4 stars; one submission).

Submission:

Labcorp Genetics (formerly Invitae), Labcorp
Classification: Uncertain significance. Last evaluated: 2023-11-22. Review status: criteria provided, single submitter. Criteria: Invitae Variant Classification Sherloc (09022015). Collection method: clinical testing. Allele origin: germline.
Comment: This sequence change replaces serine, which is neutral and polar, with tyrosine, which is neutral and polar, at codon 329 of the NAF1 protein (p.Ser329Tyr). This variant is not present in population databases (gnomAD no frequency). This variant has not been reported in the literature in individuals affected with NAF1-related conditions. An algorithm developed to predict the effect of missense changes on protein structure and function (PolyPhen-2) suggests that this variant is likely to be tolerated. In summary, the available evidence is currently insufficient to determine the role of this variant in disease. Therefore, it has been classified as a Variant of Uncertain Significance.

NM_138386.3(NAF1):c.986C>A (p.Ser329Tyr)

Gene: NAF1 (nuclear assembly factor 1 ribonucleoprotein; minus strand). Cytogenetic location: 4q32.2.
Variant type: single nucleotide variant.
Coding change: c.986C>A on transcript NM_138386.3 (MANE Select); coding-DNA position 986, C replaced by A.
Protein change: p.Ser329Tyr; replaces serine 329 with tyrosine.
Molecular consequence: missense variant.
Genome position (GRCh38, 1-based): chr4:163,133,201, G>T on the plus strand (C>A on the coding strand, the complement: NAF1 is on the minus strand). VCF-style: chr4-163133201-G-T. GRCh37 (hg19) VCF-style: chr4-164054353-G-T.
Other names: c.986C>A, p.Ser329Tyr (NM_001128931.2); short protein forms S329Y.
Identifiers: ClinVar variation 2695989 (VCV002695989.3), dbSNP rs2110894826, ClinGen allele CA358663608.
Genomic context (GRCh38, chr4:163,133,201, plus strand): 5'-TGTATTCACTCACCAGGCTCATTAAATTCAGATTTGAGTTTTTTCCGGCCTTGAATCTGA[G>T]ATTTTTTCCTCTGTTTGGCTTCCTTCTCTTTTTCATCATCACTAAAATCTAAGGCCTTGC-3'
Protein context (NP_612395.2, residues 319-339): KEKEAKQRKK[Ser329Tyr]QIQGRKKLKS